The following is an entry in ClinVar:

ClinVar aggregate classification (germline): Uncertain significance. Review status: criteria provided, multiple submitters, no conflicts (2 of 4 stars). 2 submissions from 2 submitters: Uncertain significance (2). Last evaluated 2025-11-27.

Conditions:
Inborn genetic diseases. Identifiers: MedGen C0950123, MeSH D030342.

Allele frequency attached by ClinVar (database versions not stated): 1000 Genomes Project 0.00020; TOPMed 0.00003; ExAC 0.00014; gnomAD 0.00003; 1000 Genomes Project 30x 0.00031.
gnomAD v4.1: 20 of 1,513,896 alleles (0.0013%); highest among the groups gnomAD compares: East Asian, 0.041%; no homozygotes.

Submissions (2):

Labcorp Genetics (formerly Invitae), Labcorp
Classification: Uncertain significance. Last evaluated: 2025-11-27. Review status: criteria provided, single submitter. Criteria: Invitae Variant Classification Sherloc (09022015). Collection method: clinical testing. Allele origin: germline.
Comment: This sequence change replaces histidine, which is basic and polar, with aspartic acid, which is acidic and polar, at codon 981 of the DCHS1 protein (p.His981Asp). The frequency data for this variant in the population databases is considered unreliable, as metrics indicate poor data quality at this position in the gnomAD database. This variant has not been reported in the literature in individuals affected with DCHS1-related conditions. ClinVar contains an entry for this variant (Variation ID: 3019099). Invitae Evidence Modeling of protein sequence and biophysical properties (such as structural, functional, and spatial information, amino acid conservation, physicochemical variation, residue mobility, and thermodynamic stability) indicates that this missense variant is expected to disrupt DCHS1 protein function with a positive predictive value of 80%. In summary, the available evidence is currently insufficient to determine the role of this variant in disease. Therefore, it has been classified as a Variant of Uncertain Significance.

Ambry Genetics
Classification: Uncertain significance for Inborn genetic diseases. Last evaluated: 2024-03-15. Review status: criteria provided, single submitter. Criteria: Ambry Variant Classification Scheme 2023. Collection method: clinical testing. Allele origin: germline.

NM_003737.4(DCHS1):c.2941C>G (p.His981Asp)

Gene: DCHS1 (dachsous cadherin-related 1; minus strand). Cytogenetic location: 11p15.4.
Variant type: single nucleotide variant.
Coding change: c.2941C>G on transcript NM_003737.4 (MANE Select); coding-DNA position 2941, C replaced by G.
Protein change: p.His981Asp; replaces histidine 981 with aspartic acid.
Molecular consequence: missense variant.
Genome position (GRCh38, 1-based): chr11:6,632,571, G>C on the plus strand (C>G on the coding strand, the complement: DCHS1 is on the minus strand). VCF-style: chr11-6632571-G-C. GRCh37 (hg19) VCF-style: chr11-6653802-G-C.
Other names: c.2941C>G (NM_003737.2); short protein forms H981D.
Identifiers: ClinVar variation 3019099 (VCV003019099.4), dbSNP rs553301291, ClinGen allele CA5860632.
Genomic context (GRCh38, chr11:6,632,571, plus strand): 5'-TGAATCGGGGAGCCAGCCCACGGGTTCCCACATCCTGTACCACCACCCGTAGTCGAAAGT[G>C]GCTGGTGCGTGGTGGGGAGCCCCCATCCCGGGCCTCCAGCTCCAGCTCATGGGCTGGCCC-3'
Protein context (NP_003728.1, residues 971-991): RDGGSPPRTS[His981Asp]FRLRVVVQDV